The following is an entry in ClinVar:

ClinVar aggregate classification (germline): Conflicting classifications of pathogenicity. Review status: criteria provided, conflicting classifications (1 of 4 stars). 7 submissions from 7 submitters: Uncertain significance (6); Likely benign (1). Last evaluated 2025-11-17.

Conditions:
Myofibrillar myopathy 5. Also called: FILAMINOPATHY, AUTOSOMAL DOMINANT; Filaminopathy (type). Identifiers: Orphanet 171445, MedGen C1836050, MONDO:0012289, OMIM 609524.
Distal myopathy with posterior leg and anterior hand involvement. Also called: WILLIAMS DISTAL MYOPATHY. Identifiers: Orphanet 63273, MedGen C3279722, MONDO:0013550, OMIM 614065.
Hypertrophic cardiomyopathy 26. Also called: Cardiomyopathy, familial hypertrophic, 26. Identifiers: Orphanet 75249, MedGen C4310749, MONDO:0014883, OMIM 617047.
FLNC-related disorder. Also called: FLNC-related condition; FLNC-related disorders.
Cardiovascular phenotype. Identifiers: MedGen CN230736.
Cardiomyopathy (CMYO). Also called: Cardiomyopathies. Identifiers: Orphanet 167848, MedGen C0878544, MONDO:0004994, HP:0001638. Inheritance: Various modes of inheritance.

Allele frequency attached by ClinVar (database versions not stated): gnomAD 0.00002 and 0.00003; TOPMed 0.00002; gnomAD exomes 0.00003; ExAC 0.00005.
gnomAD v4.1: 55 of 1,613,910 alleles (0.0034%); highest among the groups gnomAD compares: Non-Finnish European, 0.0042%; no homozygotes.

Submissions (7):

PreventionGenetics, part of Exact Sciences
Classification: Uncertain significance for FLNC-related condition. Last evaluated: 2025-11-17. Review status: criteria provided, single submitter. Criteria: ACMG Guidelines, 2015. Collection method: clinical testing. Allele origin: germline.
Comment: The FLNC c.3295G>A variant is predicted to result in the amino acid substitution p.Val1099Ile. This variant is reported in 0.0070% of alleles in individuals of European (Non-Finnish) descent in gnomAD. At this time, the clinical significance of this variant is uncertain due to the absence of conclusive functional and genetic evidence.

Labcorp Genetics (formerly Invitae), Labcorp
Classification: Uncertain significance for Distal myopathy with posterior leg and anterior hand involvement; Myofibrillar myopathy 5; Hypertrophic cardiomyopathy 26. Last evaluated: 2025-07-23. Review status: criteria provided, single submitter. Criteria: Invitae Variant Classification Sherloc (09022015). Collection method: clinical testing. Allele origin: germline.
Comment: This sequence change replaces valine, which is neutral and non-polar, with isoleucine, which is neutral and non-polar, at codon 1099 of the FLNC protein (p.Val1099Ile). This variant is present in population databases (rs759452636, gnomAD 0.007%). This variant has not been reported in the literature in individuals affected with FLNC-related conditions. ClinVar contains an entry for this variant (Variation ID: 425426). Invitae Evidence Modeling of protein sequence and biophysical properties (such as structural, functional, and spatial information, amino acid conservation, physicochemical variation, residue mobility, and thermodynamic stability) has been performed for this missense variant. However, the output from this modeling did not meet the statistical confidence thresholds required to predict the impact of this variant on FLNC protein function. In summary, the available evidence is currently insufficient to determine the role of this variant in disease. Therefore, it has been classified as a Variant of Uncertain Significance.

Ambry Genetics
Classification: Uncertain significance for Cardiovascular phenotype. Last evaluated: 2024-04-22. Review status: criteria provided, single submitter. Criteria: Ambry Variant Classification Scheme 2023. Collection method: clinical testing. Allele origin: germline.
Comment: The p.V1099I variant (also known as c.3295G>A), located in coding exon 21 of the FLNC gene, results from a G to A substitution at nucleotide position 3295. The valine at codon 1099 is replaced by isoleucine, an amino acid with highly similar properties. This amino acid position is highly conserved in available vertebrate species. In addition, the in silico prediction for this alteration is inconclusive. Since supporting evidence is limited at this time, the clinical significance of this alteration remains unclear.

Revvity Omics, Revvity
Classification: Uncertain significance. Last evaluated: 2023-02-03. Review status: criteria provided, single submitter. Criteria: ACMG Guidelines, 2015. Collection method: clinical testing. Allele origin: germline.

CHEO Genetics Diagnostic Laboratory, Children's Hospital of Eastern Ontario
Classification: Uncertain significance for Cardiomyopathy. Last evaluated: 2022-05-19. Review status: criteria provided, single submitter. Criteria: ACMG Guidelines, 2015. Collection method: clinical testing. Allele origin: germline.

GeneDx
Classification: Likely benign. Last evaluated: 2021-11-12. Review status: criteria provided, single submitter. Criteria: GeneDx Variant Classification Process June 2021. Collection method: clinical testing. Allele origin: germline. Affected: yes.
Comment: In silico analysis supports that this missense variant does not alter protein structure/function

CeGaT Center for Human Genetics Tuebingen
Classification: Uncertain significance. Last evaluated: 2016-09-01. Review status: criteria provided, single submitter. Criteria: CeGaT Center For Human Genetics Tuebingen Variant Classification Criteria Version 2. Collection method: clinical testing. Allele origin: germline. Affected: yes. Observed: 1 variant allele.

NM_001458.5(FLNC):c.3295G>A (p.Val1099Ile)

Gene: FLNC (filamin C; plus strand). Cytogenetic location: 7q32.1.
Variant type: single nucleotide variant.
Coding change: c.3295G>A on transcript NM_001458.5 (MANE Select); coding-DNA position 3295, G replaced by A.
Protein change: p.Val1099Ile; replaces valine 1099 with isoleucine.
Molecular consequence: missense variant.
Genome position (GRCh38, 1-based): chr7:128,844,760, G>A. VCF-style: chr7-128844760-G-A. GRCh37 (hg19) VCF-style: chr7-128484814-G-A.
Other names: c.3295G>A, p.Val1099Ile (NM_001127487.2); short protein forms V1099I.
Identifiers: ClinVar variation 425426 (VCV000425426.62), dbSNP rs759452636, ClinGen allele CA4475012.